The following is an entry in ClinVar:

NM_000213.5(ITGB4):c.331C>T (p.Arg111Trp)

Gene: ITGB4 (integrin subunit beta 4; plus strand). Cytogenetic location: 17q25.1.
Variant type: single nucleotide variant.
Coding change: c.331C>T on transcript NM_000213.5 (MANE Select); coding-DNA position 331, C replaced by T.
Protein change: p.Arg111Trp; replaces arginine 111 with tryptophan.
Molecular consequence: missense variant.
Genome position (GRCh38, 1-based): chr17:75,727,717, C>T. VCF-style: chr17-75727717-C-T. GRCh37 (hg19) VCF-style: chr17-73723798-C-T.
Other names: c.331C>T, p.Arg111Trp (NM_001005619.2, NM_001005731.3, NM_001321123.2); short protein forms R111W.
Identifiers: ClinVar variation 3013099 (VCV003013099.6), dbSNP rs141385926, ClinGen allele CA8768643.
Genomic context (GRCh38, chr17:75,727,717, plus strand): 5'-CAGATTGACACCACCCTGCGGCGCAGCCAGATGTCCCCCCAAGGCCTGCGGGTCCGTCTG[C>T]GGCCCGGTGAGGAGCGGCATTTTGAGCTGGAGGTGTTTGAGCCACTGGAGAGCCCCGTGG-3'
Protein context (NP_000204.3, residues 101-121): MSPQGLRVRL[Arg111Trp]PGEERHFELE

ClinVar aggregate classification (germline): Conflicting classifications of pathogenicity. Review status: criteria provided, conflicting classifications (1 of 4 stars). 3 submissions from 3 submitters: Uncertain significance (1); Likely benign (1). 1 of the submissions does not count toward it. Last evaluated 2024-02-27.

Conditions:
Epidermolysis bullosa, junctional 5A, intermediate. Also called: EPIDERMOLYSIS BULLOSA, JUNCTIONAL 5A, GENERALIZED INTERMEDIATE; EPIDERMOLYSIS BULLOSA, JUNCTIONAL 5A, NON-HERLITZ TYPE. Identifiers: MedGen C5676956, MONDO:0030768, OMIM 619816.
Junctional epidermolysis bullosa with pyloric atresia. Also called: APLASIA CUTIS CONGENITA WITH GASTROINTESTINAL ATRESIA; EB-PA-ACC; CARMI SYNDROME; EPIDERMOLYSIS BULLOSA, JUNCTIONAL 5B, WITH PYLORIC ATRESIA; Junctional Epidermolysis Bullosa- Pyloric Atresia Syndrome; ITGB4-Related Epidermolysis Bullosa with Pyloric Atresia. Identifiers: Orphanet 79403, MedGen C5676875, MONDO:0009183, OMIM 226730.
ITGB4-related disorder. Also called: ITGB4-related condition.

Allele frequency attached by ClinVar (database versions not stated): gnomAD 0.00007; ESP Exome Variant Server 0.00015; ExAC 0.00024; 1000 Genomes Project 0.00040; 1000 Genomes Project 30x 0.00047.
gnomAD v4.1: 221 of 1,613,388 alleles (0.014%); highest among the groups gnomAD compares: South Asian, 0.19%; 3 homozygotes.

Submissions (3):

Fulgent Genetics
Classification: Uncertain significance for Junctional epidermolysis bullosa with pyloric atresia; Epidermolysis bullosa, junctional 5A, intermediate. Last evaluated: 2024-02-27. Review status: criteria provided, single submitter. Criteria: ACMG Guidelines, 2015. Collection method: clinical testing. Allele origin: germline.

Labcorp Genetics (formerly Invitae), Labcorp
Classification: Likely benign. Last evaluated: 2024-02-18. Review status: criteria provided, single submitter. Criteria: Invitae Variant Classification Sherloc (09022015). Collection method: clinical testing. Allele origin: germline.

PreventionGenetics, part of Exact Sciences
Classification: Likely benign for ITGB4-related condition. Last evaluated: 2023-10-04. Review status: no assertion criteria provided. Collection method: clinical testing. Allele origin: germline. Not counted in ClinVar's aggregate classification.
Comment: This variant is classified as likely benign based on ACMG/AMP sequence variant interpretation guidelines (Richards et al. 2015 PMID: 25741868, with internal and published modifications).